The following is an entry in ClinVar:

ClinVar aggregate classification (germline): Uncertain significance (1 of 4 stars; one submission).

gnomAD v4.1: 1 of 1,614,140 alleles (0.000062%); highest among the groups gnomAD compares: Non-Finnish European, 0.000085%; no homozygotes.

Submission:

Women's Health and Genetics/Laboratory Corporation of America, LabCorp
Classification: Uncertain significance. Last evaluated: 2024-09-11. Review status: criteria provided, single submitter. Criteria: LabCorp Variant Classification Summary - May 2015. Collection method: clinical testing. Allele origin: germline.
Comment: Variant summary: SHH c.200C>G (p.Ser67Cys) results in a non-conservative amino acid change located in the Hedgehog protein, Hint domain (IPR001767) of the encoded protein sequence. Three of five in-silico tools predict a damaging effect of the variant on protein function. The variant allele was found at a frequency of 4e-06 in 251496 control chromosomes. The available data on variant occurrences in the general population are insufficient to allow any conclusion about variant significance. To our knowledge, no occurrence of c.200C>G in individuals affected with SHH-Related Disorders and no experimental evidence demonstrating its impact on protein function have been reported. No submitters have cited clinical-significance assessments for this variant to ClinVar. Based on the evidence outlined above, the variant was classified as uncertain significance.

NM_000193.4(SHH):c.200C>G (p.Ser67Cys)

Gene: SHH (sonic hedgehog signaling molecule; minus strand). Cytogenetic location: 7q36.3.
Variant type: single nucleotide variant.
Coding change: c.200C>G on transcript NM_000193.4 (MANE Select); coding-DNA position 200, C replaced by G.
Protein change: p.Ser67Cys; replaces serine 67 with cysteine.
Molecular consequence: missense variant.
Genome position (GRCh38, 1-based): chr7:155,811,923, G>C on the plus strand (C>G on the coding strand, the complement: SHH is on the minus strand). VCF-style: chr7-155811923-G-C. GRCh37 (hg19) VCF-style: chr7-155604617-G-C.
Other names: short protein forms S67C.
Identifiers: ClinVar variation 3374881 (VCV003374881.1).